The following is an entry in ClinVar:

ClinVar aggregate classification (germline): Uncertain significance (1 of 4 stars; one submission).

Submission:

GeneDx
Classification: Uncertain significance. Last evaluated: 2023-12-25. Review status: criteria provided, single submitter. Criteria: GeneDx Variant Classification Process June 2021. Collection method: clinical testing. Allele origin: germline. Affected: yes.
Comment: Has not been previously published as pathogenic or benign to our knowledge; Not observed at significant frequency in large population cohorts (gnomAD); Located in an alternate transcript of the gene; Frameshift variant predicted to result in protein truncation or nonsense mediated decay in a gene for which loss-of-function is not a known mechanism of disease

NM_000701.8(ATP1A1):c.12+710dup

Gene: ATP1A1 (ATPase Na+/K+ transporting subunit alpha 1; plus strand). Cytogenetic location: 1p13.1.
Variant type: Duplication.
Coding change: c.12+710dup on transcript NM_000701.8 (MANE Select); 710 bases into the intron after coding-DNA position 12, one base duplicated (G; older notation c.12+710dupG).
Molecular consequence: intron variant. On other transcripts: frameshift variant (1), initiator codon variant (1).
Genome position (GRCh38, 1-based): chr1:116,374,233, G duplicated; the last of 2 consecutive G bases (chr1:116,374,232-116,374,233); duplicating either gives the same sequence. VCF-style (leftmost placement, unchanged base first): chr1-116374231-T-TG. GRCh37 (hg19) VCF-style: chr1-116916853-T-TG.
Other names: c.4dup, p.Ala2fs (NM_001160233.2); short protein forms A2fs.
Identifiers: ClinVar variation 3340800 (VCV003340800.1).
Genomic context (GRCh38, chr1:116,374,231, plus strand): 5'-AAGTGCGAAGCCGGCTGGGCGGGCTGGTGCCAGAAAGGGTGTGTCTTCACTGCCCTAAGA[T>TG]GGCCTTTAAGGTATACTTTTGAGGGCTTTCTTGGGCCACTTTCCGTAAACACAGGATGCA-3'